The following is an entry in ClinVar:

ClinVar aggregate classification (germline): Conflicting classifications of pathogenicity. Review status: criteria provided, conflicting classifications (1 of 4 stars). 3 submissions from 3 submitters: Uncertain significance (2); Likely benign (1). Last evaluated 2026-04-07.

Conditions:
Inborn genetic diseases. Identifiers: MedGen C0950123, MeSH D030342.
MAGEL2-related disorder. Also called: MAGEL2-related condition.

gnomAD v4.1: 52 of 1,587,790 alleles (0.0033%); highest among the groups gnomAD compares: Admixed American, 0.014%; no homozygotes.

Submissions (3):

PreventionGenetics, part of Exact Sciences
Classification: Uncertain significance for MAGEL2-related condition. Last evaluated: 2026-04-07. Review status: criteria provided, single submitter. Criteria: ACMG Guidelines, 2015. Collection method: clinical testing. Allele origin: germline.
Comment: The MAGEL2 c.1921C>G variant is predicted to result in the amino acid substitution p.Pro641Ala. To our knowledge, this variant has not been reported in the literature. This variant is reported in 0.017% of alleles in individuals of Latino descent in gnomAD, which may be too frequent to be a primary cause of disease. Although we suspect that this variant may be benign, at this time, the clinical significance of this variant is uncertain due to the absence of conclusive functional and genetic evidence.

Labcorp Genetics (formerly Invitae), Labcorp
Classification: Uncertain significance. Last evaluated: 2026-01-12. Review status: criteria provided, single submitter. Criteria: Invitae Variant Classification Sherloc (09022015). Collection method: clinical testing. Allele origin: germline.
Comment: This sequence change replaces proline, which is neutral and non-polar, with alanine, which is neutral and non-polar, at codon 641 of the MAGEL2 protein (p.Pro641Ala). This variant is present in population databases (rs369857789, gnomAD 0.02%). This variant has not been reported in the literature in individuals affected with MAGEL2-related conditions. ClinVar contains an entry for this variant (Variation ID: 2359843). Invitae Evidence Modeling of protein sequence and biophysical properties (such as structural, functional, and spatial information, amino acid conservation, physicochemical variation, residue mobility, and thermodynamic stability) indicates that this missense variant is not expected to disrupt MAGEL2 protein function with a negative predictive value of 80%. In summary, the available evidence is currently insufficient to determine the role of this variant in disease. Therefore, it has been classified as a Variant of Uncertain Significance.

Ambry Genetics
Classification: Likely benign for Inborn genetic diseases. Last evaluated: 2022-10-04. Review status: criteria provided, single submitter. Criteria: Ambry Variant Classification Scheme 2023. Collection method: clinical testing. Allele origin: germline.

NM_019066.5(MAGEL2):c.1921C>G (p.Pro641Ala)

Gene: MAGEL2 (MAGE family member L2; minus strand). Cytogenetic location: 15q11.2.
Variant type: single nucleotide variant.
Coding change: c.1921C>G on transcript NM_019066.5 (MANE Select); coding-DNA position 1921, C replaced by G.
Protein change: p.Pro641Ala; replaces proline 641 with alanine.
Molecular consequence: missense variant.
Genome position (GRCh38, 1-based): chr15:23,645,822, G>C on the plus strand (C>G on the coding strand, the complement: MAGEL2 is on the minus strand). VCF-style: chr15-23645822-G-C. GRCh37 (hg19) VCF-style: chr15-23890969-G-C.
Other names: c.1921C>G (NM_019066.4); short protein forms P641A.
Identifiers: ClinVar variation 2359843 (VCV002359843.10), dbSNP rs369857789, ClinGen allele CA7430000.
Genomic context (GRCh38, chr15:23,645,822, plus strand): 5'-TTTGCACGGCTTTTTGGGAGGGCGGGGCTCCCTGAAAGGGCTGCTCCAGCTGGACCAAGG[G>C]GGGAGCCTGCCTCTGGGCCTCCTGGGCAGGCAGGGGCTGCCAGATGTGAGTGGGGGCCTT-3'
Protein context (NP_061939.3, residues 631-651): PAQEAQRQAP[Pro641Ala]LVQLEQPFQG